The following is an entry in ClinVar:

NM_020774.4(MIB1):c.2414G>A (p.Ser805Asn)

Gene: MIB1 (MIB E3 ubiquitin protein ligase 1; plus strand). Cytogenetic location: 18q11.2.
Variant type: single nucleotide variant.
Coding change: c.2414G>A on transcript NM_020774.4 (MANE Select); coding-DNA position 2414, G replaced by A.
Protein change: p.Ser805Asn; replaces serine 805 with asparagine.
Molecular consequence: missense variant.
Genome position (GRCh38, 1-based): chr18:21,849,216, G>A. VCF-style: chr18-21849216-G-A. GRCh37 (hg19) VCF-style: chr18-19429177-G-A.
Other names: short protein forms S805N.
Identifiers: ClinVar variation 3294692 (VCV003294692.1).
Genomic context (GRCh38, chr18:21,849,216, plus strand): 5'-TAATAAGATAGGCTTGATTTGAAATACTTTCTTTTATTAGTGGTCAAGTGGGTTCTCGGA[G>A]TCCTTCTATGATTAGTAATGATTCTGAAACCTTAGAAGAGTGTATGGTGTGCTCAGATAT-3'
Protein context (NP_065825.1, residues 795-815): EKVSGQVGSR[Ser805Asn]PSMISNDSET

ClinVar aggregate classification (germline): Uncertain significance (1 of 4 stars; one submission).

Conditions:
Inborn genetic diseases. Identifiers: MedGen C0950123, MeSH D030342.

gnomAD v4.1: 8 of 1,569,742 alleles (0.00051%); highest among the groups gnomAD compares: Non-Finnish European, 0.00069%; no homozygotes.

Submission:

Ambry Genetics
Classification: Uncertain significance for Inborn genetic diseases. Last evaluated: 2024-03-15. Review status: criteria provided, single submitter. Criteria: Ambry Variant Classification Scheme 2023. Collection method: clinical testing. Allele origin: germline.
Comment: The p.S805N variant (also known as c.2414G>A), located in coding exon 17 of the MIB1 gene, results from a G to A substitution at nucleotide position 2414. The serine at codon 805 is replaced by asparagine, an amino acid with highly similar properties. This amino acid position is conserved. In addition, this alteration is predicted to be tolerated by in silico analysis. Based on the available evidence, the clinical significance of this alteration remains unclear.